The following is an entry in ClinVar:

ClinVar aggregate classification (germline): Likely benign. Review status: criteria provided, multiple submitters, no conflicts (2 of 4 stars). 6 submissions from 3 submitters: Likely benign (6). Last evaluated 2026-01-28.

Conditions:
Hypokalemic periodic paralysis, type 1. Also called: Hypokalemic Periodic Paralysis Type 1 (AD); HypoPP. Identifiers: Orphanet 681, MedGen C3714580, MONDO:0042979, OMIM 170400.
Malignant hyperthermia, susceptibility to, 5 (MHS5). Also called: CACNA1S-Related Malignant Hyperthermia Susceptibility. Identifiers: Orphanet 423, MedGen C1866077, MONDO:0011163, OMIM 601887.
Congenital myopathy 18. Also called: DIHYDROPYRIDINE RECEPTOR CONGENITAL MYOPATHY; DHPR CONGENITAL MYOPATHY; Myopathy, congenital, due to dihydropyridine receptor defect. Identifiers: MedGen C5830283, MONDO:0859514, OMIM 620246.
Thyrotoxic periodic paralysis, susceptibility to, 1 (TTPP1). Identifiers: Orphanet 79102, MedGen C2749982, MONDO:0008570, OMIM 188580.

Allele frequency attached by ClinVar (database versions not stated): gnomAD 0.00002 and 0.00004; gnomAD exomes 0.00002 and 0.00003; ExAC 0.00003; TOPMed 0.00003.
gnomAD v4.1: 32 of 1,598,288 alleles (0.002%); highest among the groups gnomAD compares: South Asian, 0.02%; no homozygotes.

Submissions (6):

Labcorp Genetics (formerly Invitae), Labcorp
Classification: Likely benign for Hypokalemic periodic paralysis, type 1; Malignant hyperthermia, susceptibility to, 5. Last evaluated: 2026-01-28. Review status: criteria provided, single submitter. Criteria: Invitae Variant Classification Sherloc (09022015). Collection method: clinical testing. Allele origin: germline.

Genome-Nilou Lab
Classification: Likely benign for Malignant hyperthermia, susceptibility to, 5. Last evaluated: 2023-04-11. Review status: criteria provided, single submitter. Criteria: ACMG Guidelines, 2015. Collection method: clinical testing. Allele origin: germline. Affected: no.

Genome-Nilou Lab
Classification: Likely benign for Thyrotoxic periodic paralysis, susceptibility to, 1. Last evaluated: 2023-04-11. Review status: criteria provided, single submitter. Criteria: ACMG Guidelines, 2015. Collection method: clinical testing. Allele origin: germline. Affected: no.

Genome-Nilou Lab
Classification: Likely benign for Congenital myopathy 18. Last evaluated: 2023-04-11. Review status: criteria provided, single submitter. Criteria: ACMG Guidelines, 2015. Collection method: clinical testing. Allele origin: germline. Affected: no.

Genome-Nilou Lab
Classification: Likely benign for Hypokalemic periodic paralysis, type 1. Last evaluated: 2023-04-11. Review status: criteria provided, single submitter. Criteria: ACMG Guidelines, 2015. Collection method: clinical testing. Allele origin: germline. Affected: no.

GeneDx
Classification: Likely benign. Last evaluated: 2016-09-23. Review status: criteria provided, single submitter. Criteria: GeneDx Variant Classification (06012015). Collection method: clinical testing. Allele origin: germline. Affected: yes.
Comment: This variant is considered likely benign or benign based on one or more of the following criteria: it is a conservative change, it occurs at a poorly conserved position in the protein, it is predicted to be benign by multiple in silico algorithms, and/or has population frequency not consistent with disease.

NM_000069.3(CACNA1S):c.1619+15C>T

Gene: CACNA1S (calcium voltage-gated channel subunit alpha1 S; minus strand). Cytogenetic location: 1q32.1.
Variant type: single nucleotide variant.
Coding change: c.1619+15C>T on transcript NM_000069.3 (MANE Select); 15 bases into the intron after coding-DNA position 1619, C replaced by T.
Molecular consequence: intron variant.
Genome position (GRCh38, 1-based): chr1:201,077,864, G>A on the plus strand (C>T on the coding strand, the complement: CACNA1S is on the minus strand). VCF-style: chr1-201077864-G-A. GRCh37 (hg19) VCF-style: chr1-201046992-G-A.
Identifiers: ClinVar variation 389213 (VCV000389213.12), dbSNP rs771698501, ClinGen allele CA078444.